The following is an entry in ClinVar:

NM_004183.4(BEST1):c.1712T>C (p.Met571Thr)

Gene: BEST1 (bestrophin 1; plus strand). Cytogenetic location: 11q12.3.
Variant type: single nucleotide variant.
Coding change: c.1712T>C on transcript NM_004183.4 (MANE Select); coding-DNA position 1712, T replaced by C.
Protein change: p.Met571Thr; replaces methionine 571 with threonine.
Molecular consequence: missense variant. On other transcripts: non-coding transcript variant (1).
Genome position (GRCh38, 1-based): chr11:61,962,866, T>C. VCF-style: chr11-61962866-T-C. GRCh37 (hg19) VCF-style: chr11-61730338-T-C.
Other names: c.1532T>C, p.Met511Thr (NM_001139443.3, NM_001300787.2); c.1451T>C, p.Met484Thr (NM_001300786.2); c.1394T>C, p.Met465Thr (NM_001363591.3); c.*607T>C (NM_001363592.2); c.740T>C, p.Met247Thr (NM_001363593.3); short protein forms M465T, M571T, M247T, M511T, M484T.
Identifiers: ClinVar variation 1443023 (VCV001443023.6), dbSNP rs749448206, ClinGen allele CA6041107.

ClinVar aggregate classification (germline): Uncertain significance (1 of 4 stars; one submission).

Allele frequency attached by ClinVar (database versions not stated): ExAC 0.00002; gnomAD exomes 0.00002 and 0.00004; gnomAD 0.00003 and 0.00004; TOPMed 0.00005.
gnomAD v4.1: 59 of 1,614,050 alleles (0.0037%); highest among the groups gnomAD compares: Non-Finnish European, 0.0048%; no homozygotes.

Submission:

Labcorp Genetics (formerly Invitae), Labcorp
Classification: Uncertain significance. Last evaluated: 2022-09-16. Review status: criteria provided, single submitter. Criteria: Invitae Variant Classification Sherloc (09022015). Collection method: clinical testing. Allele origin: germline.
Comment: Algorithms developed to predict the effect of missense changes on protein structure and function (SIFT, PolyPhen-2, Align-GVGD) all suggest that this variant is likely to be tolerated. This sequence change replaces methionine, which is neutral and non-polar, with threonine, which is neutral and polar, at codon 571 of the BEST1 protein (p.Met571Thr). This variant is present in population databases (rs749448206, gnomAD 0.004%). This missense change has been observed in individual(s) with autosomal dominant vitreoretinochoroidopathy (PMID: 30222024). ClinVar contains an entry for this variant (Variation ID: 1443023). In summary, the available evidence is currently insufficient to determine the role of this variant in disease. Therefore, it has been classified as a Variant of Uncertain Significance.

Literature cited by the submitters: PubMed 30222024.